The following is an entry in ClinVar:

ClinVar aggregate classification (germline): Uncertain significance (1 of 4 stars; one submission).

gnomAD v4.1: 62 of 1,614,084 alleles (0.0038%); highest among the groups gnomAD compares: Non-Finnish European, 0.0035%; no homozygotes.

Submission:

Labcorp Genetics (formerly Invitae), Labcorp
Classification: Uncertain significance. Last evaluated: 2024-05-04. Review status: criteria provided, single submitter. Criteria: Invitae Variant Classification Sherloc (09022015). Collection method: clinical testing. Allele origin: germline.
Comment: This sequence change replaces serine, which is neutral and polar, with cysteine, which is neutral and slightly polar, at codon 1036 of the FOCAD protein (p.Ser1036Cys). This variant is present in population databases (rs761659661, gnomAD 0.03%). This variant has not been reported in the literature in individuals affected with FOCAD-related conditions. Experimental studies and prediction algorithms are not available or were not evaluated, and the functional significance of this variant is currently unknown. In summary, the available evidence is currently insufficient to determine the role of this variant in disease. Therefore, it has been classified as a Variant of Uncertain Significance.

NM_001375567.1(FOCAD):c.3106A>T (p.Ser1036Cys)

Gene: FOCAD (focadhesin; plus strand). Cytogenetic location: 9p21.3.
Variant type: single nucleotide variant.
Coding change: c.3106A>T on transcript NM_001375567.1 (MANE Select); coding-DNA position 3106, A replaced by T.
Protein change: p.Ser1036Cys; replaces serine 1036 with cysteine.
Molecular consequence: missense variant.
Genome position (GRCh38, 1-based): chr9:20,929,385, A>T. VCF-style: chr9-20929385-A-T. GRCh37 (hg19) VCF-style: chr9-20929384-A-T.
Other names: c.3106A>T, p.Ser1036Cys (NM_017794.5); c.3001A>T, p.Ser1001Cys (NM_001375568.1, NM_001375570.1); short protein forms S1001C, S1036C.
Identifiers: ClinVar variation 3632286 (VCV003632286.2).
Genomic context (GRCh38, chr9:20,929,385, plus strand): 5'-CTAACCCTGTTTTCTTTCTTTGGCATGTCCTAGAAGTCCTATTCTGGTGAAAACACAGCT[A>T]GTGCCATTGCCCGTTCTGCTGCCGCCACGGCTTTGTCTCTCCTTGTGCCAGTTTTCATTA-3'
Protein context (NP_001362496.1, residues 1026-1046): YKSYSGENTA[Ser1036Cys]AIARSAAATA